The following is an entry in ClinVar:

NM_020964.3(EPG5):c.5953C>T (p.Arg1985Trp)

Gene: EPG5 (ectopic P-granules 5 autophagy tethering factor; minus strand). Cytogenetic location: 18q12.3.
Variant type: single nucleotide variant.
Coding change: c.5953C>T on transcript NM_020964.3 (MANE Select); coding-DNA position 5953, C replaced by T.
Protein change: p.Arg1985Trp; replaces arginine 1985 with tryptophan.
Molecular consequence: missense variant.
Genome position (GRCh38, 1-based): chr18:45,876,332, G>A on the plus strand (C>T on the coding strand, the complement: EPG5 is on the minus strand). VCF-style: chr18-45876332-G-A. GRCh37 (hg19) VCF-style: chr18-43456297-G-A.
Other names: short protein forms R1985W.
Identifiers: ClinVar variation 947473 (VCV000947473.5), dbSNP rs146306069, ClinGen allele CA8948416.

ClinVar aggregate classification (germline): Uncertain significance (1 of 4 stars; one submission).

Conditions:
Vici syndrome (VICIS). Identifiers: Orphanet 1493, MedGen C1855772, MONDO:0009452, OMIM 242840.

Allele frequency attached by ClinVar (database versions not stated): gnomAD 0.00001 and 0.00005; gnomAD exomes 0.00003 and 0.00005; TOPMed 0.00003; ExAC 0.00005; ESP Exome Variant Server 0.00008; 1000 Genomes Project 30x 0.00031; 1000 Genomes Project 0.00040.
gnomAD v4.1: 45 of 1,613,398 alleles (0.0028%); highest among the groups gnomAD compares: East Asian, 0.045%; no homozygotes.

Submission:

Labcorp Genetics (formerly Invitae), Labcorp
Classification: Uncertain significance for Vici syndrome. Last evaluated: 2022-10-22. Review status: criteria provided, single submitter. Criteria: Invitae Variant Classification Sherloc (09022015). Collection method: clinical testing. Allele origin: germline.
Comment: This sequence change replaces arginine, which is basic and polar, with tryptophan, which is neutral and slightly polar, at codon 1985 of the EPG5 protein (p.Arg1985Trp). This variant is present in population databases (rs146306069, gnomAD 0.04%). This variant has not been reported in the literature in individuals affected with EPG5-related conditions. ClinVar contains an entry for this variant (Variation ID: 947473). Advanced modeling of protein sequence and biophysical properties (such as structural, functional, and spatial information, amino acid conservation, physicochemical variation, residue mobility, and thermodynamic stability) performed at Invitae indicates that this missense variant is not expected to disrupt EPG5 protein function. Algorithms developed to predict the effect of sequence changes on RNA splicing suggest that this variant may disrupt the consensus splice site. In summary, the available evidence is currently insufficient to determine the role of this variant in disease. Therefore, it has been classified as a Variant of Uncertain Significance.